The following is an entry in ClinVar:

ClinVar aggregate classification (germline): Uncertain significance (1 of 4 stars; one submission).

gnomAD v4.1: 78 of 1,613,992 alleles (0.0048%); highest among the groups gnomAD compares: Non-Finnish European, 0.0064%; 1 homozygote.

Submission:

Labcorp Genetics (formerly Invitae), Labcorp
Classification: Uncertain significance. Last evaluated: 2024-06-20. Review status: criteria provided, single submitter. Criteria: Invitae Variant Classification Sherloc (09022015). Collection method: clinical testing. Allele origin: germline.
Comment: This sequence change replaces arginine, which is basic and polar, with tryptophan, which is neutral and slightly polar, at codon 462 of the STEAP3 protein (p.Arg462Trp). This variant is present in population databases (rs760495654, gnomAD 0.003%). This variant has not been reported in the literature in individuals affected with STEAP3-related conditions. An algorithm developed to predict the effect of missense changes on protein structure and function (PolyPhen-2) suggests that this variant is likely to be disruptive. In summary, the available evidence is currently insufficient to determine the role of this variant in disease. Therefore, it has been classified as a Variant of Uncertain Significance.

NM_182915.3(STEAP3):c.1414C>T (p.Arg472Trp)

Gene: STEAP3 (STEAP3 metalloreductase; plus strand). Cytogenetic location: 2q14.2.
Variant type: single nucleotide variant.
Coding change: c.1414C>T on transcript NM_182915.3 (MANE Select); coding-DNA position 1414, C replaced by T.
Protein change: p.Arg472Trp; replaces arginine 472 with tryptophan.
Molecular consequence: missense variant. On other transcripts: 3 prime UTR variant (1).
Genome position (GRCh38, 1-based): chr2:119,263,255, C>T. VCF-style: chr2-119263255-C-T. GRCh37 (hg19) VCF-style: chr2-120020831-C-T.
Other names: c.1384C>T, p.Arg462Trp (NM_001008410.2, NM_018234.3); c.*242C>T (NM_138637.3); short protein forms R472W, R462W.
Identifiers: ClinVar variation 3713003 (VCV003713003.2).